The following is an entry in ClinVar:

NM_002335.4(LRP5):c.559A>G (p.Lys187Glu)

Gene: LRP5 (LDL receptor related protein 5; plus strand). Cytogenetic location: 11q13.2.
Variant type: single nucleotide variant.
Coding change: c.559A>G on transcript NM_002335.4 (MANE Select); coding-DNA position 559, A replaced by G.
Protein change: p.Lys187Glu; replaces lysine 187 with glutamic acid.
Molecular consequence: missense variant. On other transcripts: 5 prime UTR variant (1).
Genome position (GRCh38, 1-based): chr11:68,357,720, A>G. VCF-style: chr11-68357720-A-G. GRCh37 (hg19) VCF-style: chr11-68125188-A-G.
Other names: c.559A>G (NM_002335.2); c.-1207A>G (NM_001291902.2); short protein forms K187E.
Identifiers: ClinVar variation 3013212 (VCV003013212.4), dbSNP rs750841970, ClinGen allele CA6149053.

ClinVar aggregate classification (germline): Uncertain significance. Review status: criteria provided, multiple submitters, no conflicts (2 of 4 stars). 2 submissions from 2 submitters: Uncertain significance (2). Last evaluated 2025-05-01.

Conditions:
Inborn genetic diseases. Identifiers: MedGen C0950123, MeSH D030342.

Allele frequency attached by ClinVar (database versions not stated): gnomAD exomes below 0.00001; ExAC 0.00001; gnomAD 0.00002; TOPMed 0.00002.
gnomAD v4.1: 4 of 1,614,070 alleles (0.00025%); highest among the groups gnomAD compares: Non-Finnish European, 0.00034%; no homozygotes.

Submissions (2):

Ambry Genetics
Classification: Uncertain significance for Inborn genetic diseases. Last evaluated: 2025-05-01. Review status: criteria provided, single submitter. Criteria: Ambry Variant Classification Scheme 2023. Collection method: clinical testing. Allele origin: germline.

Labcorp Genetics (formerly Invitae), Labcorp
Classification: Uncertain significance. Last evaluated: 2023-11-24. Review status: criteria provided, single submitter. Criteria: Invitae Variant Classification Sherloc (09022015). Collection method: clinical testing. Allele origin: germline.
Comment: This sequence change replaces lysine, which is basic and polar, with glutamic acid, which is acidic and polar, at codon 187 of the LRP5 protein (p.Lys187Glu). This variant is present in population databases (rs750841970, gnomAD 0.0009%). This variant has not been reported in the literature in individuals affected with LRP5-related conditions. Advanced modeling of protein sequence and biophysical properties (such as structural, functional, and spatial information, amino acid conservation, physicochemical variation, residue mobility, and thermodynamic stability) performed at Invitae indicates that this missense variant is not expected to disrupt LRP5 protein function with a negative predictive value of 95%. In summary, the available evidence is currently insufficient to determine the role of this variant in disease. Therefore, it has been classified as a Variant of Uncertain Significance.